The following is an entry in ClinVar:

ClinVar aggregate classification (germline): Likely pathogenic (1 of 4 stars; one submission).

Conditions:
Achondrogenesis type II (ACG2). Also called: ACHONDROGENESIS, LANGER-SALDINO TYPE; CHONDROGENESIS IMPERFECTA. Identifiers: Orphanet 932, Orphanet 93296, MedGen C0220685, MONDO:0008702, OMIM 200610.

Submission:

Women's Health and Genetics/Laboratory Corporation of America, LabCorp
Classification: Likely pathogenic for Achondrogenesis, type II. Last evaluated: 2018-07-05. Review status: criteria provided, single submitter. Criteria: LabCorp Variant Classification Summary - May 2015. Collection method: clinical testing. Allele origin: germline.
Comment: Variant summary: COL2A1 c.1520G>A (p.Gly507Glu) results in a non-conservative amino acid change located in the Gly-X-Y motif of the encoded protein sequence. Five of five in-silico tools predict a damaging effect of the variant on protein function. The variant was absent in 22098 control chromosomes. To our knowledge, no occurrence of c.1520G>A in individuals affected with Achondrogenesis, type II and no experimental evidence demonstrating its impact on protein function have been reported. No clinical diagnostic laboratories have submitted clinical-significance assessments for this variant to ClinVar after 2014. Based on the evidence outlined above, the variant was classified as likely pathogenic.

NM_001844.5(COL2A1):c.1520G>A (p.Gly507Glu)

Gene: COL2A1 (collagen type II alpha 1 chain; minus strand). Cytogenetic location: 12q13.11.
Variant type: single nucleotide variant.
Coding change: c.1520G>A on transcript NM_001844.5 (MANE Select); coding-DNA position 1520, G replaced by A.
Protein change: p.Gly507Glu; replaces glycine 507 with glutamic acid.
Molecular consequence: missense variant.
Genome position (GRCh38, 1-based): chr12:47,986,343, C>T on the plus strand (G>A on the coding strand, the complement: COL2A1 is on the minus strand). VCF-style: chr12-47986343-C-T. GRCh37 (hg19) VCF-style: chr12-48380126-C-T.
Other names: c.1313G>A, p.Gly438Glu (NM_033150.3); short protein forms G507E, G438E.
Identifiers: ClinVar variation 633177 (VCV000633177.1), dbSNP rs868417981, ClinGen allele CA384552404.
Genomic context (GRCh38, chr12:47,986,343, plus strand): 5'-TTCCCTCTCGAGGTCACAGGCCCCATGGGATGGAGCCTCCACATTCACTTAACTCTTTCT[C>T]CAGGGGGACCGATGGGCCCAACGCCACCAGGCTCTCCACGGGCACCTCTCTTGCCTTCTT-3'
Protein context (NP_001835.3, residues 497-517): PGGVGPIGPP[Gly507Glu]ERGAPGNRGF